The following is an entry in ClinVar:

ClinVar aggregate classification (germline): Likely pathogenic (1 of 4 stars; one submission).

Conditions:
SCN8A-related neurodevelopmental delay.

Submission:

Molecular Genetics Laboratory, Motol Hospital
Classification: Likely pathogenic for SCN8A-related neurodevelopmental delay. Last evaluated: 2024-11-20. Review status: criteria provided, single submitter. Criteria: ACMG Guidelines, 2015. Collection method: clinical testing. Allele origin: maternal. Affected: yes. Observed: 2 variant alleles.
Comment: The relevant medical/scientific publications report on families with transmission of causative loss-of-function SCN8A gene variants associated with distinct clinical manifestation than causative gain-of-function (missense) variants. They provide an evidence of incomplete penetrance and variable expressivity of related phenotypic features (PMID:38233770;28702509;31904124;25725044;37152443). The loss-of-function variants affecting the SCN8A gene are well documented as a molecular cause of complex neurodevelopmental delay and gait abnormalities and associated phenotypic abnormalities with incomplete penetrance/variable expressivity (PMID:38233770;28702509;38251463). To conclude, the variant is classified as likely pathogenic (ACMG PVS1, PM2, PP1).

Literature cited by the submitters: PubMed 38233770; PubMed 28702509; PubMed 31904124; PubMed 25725044; PubMed 37152443; PubMed 38251463.

NM_001330260.2(SCN8A):c.1723C>T (p.Arg575Ter)

Gene: SCN8A (sodium voltage-gated channel alpha subunit 8; plus strand). Cytogenetic location: 12q13.13.
Variant type: single nucleotide variant.
Coding change: c.1723C>T on transcript NM_001330260.2 (MANE Select); coding-DNA position 1723, C replaced by T.
Protein change: p.Arg575Ter; replaces arginine 575 with a stop codon.
Molecular consequence: nonsense.
Genome position (GRCh38, 1-based): chr12:51,721,633, C>T. VCF-style: chr12-51721633-C-T. GRCh37 (hg19) VCF-style: chr12-52115417-C-T.
Other names: c.1723C>T, p.Arg575Ter (NM_001177984.3, NM_001369788.1, NM_014191.4); short protein forms R575*.
Identifiers: ClinVar variation 3378401 (VCV003378401.2).